The following is an entry in ClinVar:

NM_007294.4(BRCA1):c.2514C>A (p.Asn838Lys)

Gene: BRCA1 (BRCA1 DNA repair associated; minus strand). Cytogenetic location: 17q21.31.
Variant type: single nucleotide variant.
Coding change: c.2514C>A on transcript NM_007294.4 (MANE Select); coding-DNA position 2514, C replaced by A.
Protein change: p.Asn838Lys; replaces asparagine 838 with lysine.
Molecular consequence: missense variant. On other transcripts: intron variant (137).
Genome position (GRCh38, 1-based): chr17:43,093,017, G>T on the plus strand (C>A on the coding strand, the complement: BRCA1 is on the minus strand). VCF-style: chr17-43093017-G-T. GRCh37 (hg19) VCF-style: chr17-41245034-G-T.
Other names: c.2370C>A, p.Asn790Lys (NM_001407841.1, NM_001407842.1, NM_001407843.1 and 20 more transcripts); c.2373C>A, p.Asn791Lys (NM_001407850.1, NM_001407851.1, NM_001407852.1 and 29 more transcripts); c.2301C>A, p.Asn767Lys (NM_001407853.1, NM_001407894.1, NM_001407895.1 and 9 more transcripts); c.2514C>A, p.Asn838Lys (NM_001407854.1, NM_001407858.1, NM_001407859.1 and 30 more transcripts); c.2511C>A, p.Asn837Lys (NM_001407860.1, NM_001407861.1, NM_001407587.1 and 22 more transcripts); c.2313C>A, p.Asn771Lys (NM_001407862.1); c.2391C>A, p.Asn797Lys (NM_001407863.1, NM_001407919.1, NM_001407937.1 and 19 more transcripts); c.2310C>A, p.Asn770Lys (NM_001407874.1, NM_001407875.1); and 41 more; short protein forms N710K, N726K, N727K, N768K, N790K, N791K, N796K, N797K.
Identifiers: ClinVar variation 1792437 (VCV001792437.5), dbSNP rs2154373300, ClinGen allele CA10596968.

ClinVar aggregate classification (germline): Conflicting classifications of pathogenicity. Review status: criteria provided, conflicting classifications (1 of 4 stars). 2 submissions from 2 submitters: Uncertain significance (1); Likely benign (1). Last evaluated 2025-07-17.

Conditions:
Hereditary cancer-predisposing syndrome. Also called: Hereditary Cancer Syndrome; Hereditary neoplastic syndrome; Tumor predisposition; Neoplastic Syndromes, Hereditary. Identifiers: Orphanet 140162, MedGen C0027672, MeSH D009386, MONDO:0015356.

Submissions (2):

Ambry Genetics
Classification: Uncertain significance for Hereditary cancer-predisposing syndrome. Last evaluated: 2025-07-17. Review status: criteria provided, single submitter. Criteria: Ambry Variant Classification Scheme 2023. Collection method: clinical testing. Allele origin: germline.
Comment: The p.N838K variant (also known as c.2514C>A), located in coding exon 9 of the BRCA1 gene, results from a C to A substitution at nucleotide position 2514. The asparagine at codon 838 is replaced by lysine, an amino acid with similar properties. This amino acid position is not well conserved in available vertebrate species, and lysine is the reference amino acid in other vertebrate species. In addition, this alteration is predicted to be tolerated by in silico analysis. Since supporting evidence is limited at this time, the clinical significance of this alteration remains unclear.

University of Washington Department of Laboratory Medicine, University of Washington
Classification: Likely benign for Hereditary cancer-predisposing syndrome. Last evaluated: 2023-03-23. Review status: criteria provided, single submitter. Criteria: Dines et al. (Genet Med. 2020). Collection method: curation. Allele origin: germline.
Comment: Missense variant in a coldspot region where missense variants are very unlikely to be pathogenic (PMID:31911673).

BRCA1 coldspot (exon 11 using historical exon numbering). Reclassification based on statistical prior probability